The following is an entry in ClinVar:

NM_002734.5(PRKAR1A):c.973+1G>C

Gene: PRKAR1A (protein kinase cAMP-dependent type I regulatory subunit alpha; plus strand). Cytogenetic location: 17q24.2.
Variant type: single nucleotide variant.
Coding change: c.973+1G>C on transcript NM_002734.5 (MANE Select); the canonical splice donor site of the intron after coding-DNA position 973, G replaced by C.
Molecular consequence: splice donor variant.
Genome position (GRCh38, 1-based): chr17:68,530,002, G>C. VCF-style: chr17-68530002-G-C. GRCh37 (hg19) VCF-style: chr17-66526143-G-C.
Other names: c.973+1G>C (NM_001278433.2, NM_001369389.1, NM_212471.3 and 4 more transcripts).
Identifiers: ClinVar variation 1768022 (VCV001768022.2), dbSNP rs2509443931, ClinGen allele CA400754335.

ClinVar aggregate classification (germline): Likely pathogenic (1 of 4 stars; one submission).

Conditions:
Hereditary cancer-predisposing syndrome. Also called: Hereditary Cancer Syndrome; Hereditary neoplastic syndrome; Neoplastic Syndromes, Hereditary; Tumor predisposition. Identifiers: Orphanet 140162, MedGen C0027672, MeSH D009386, MONDO:0015356.

Submission:

Ambry Genetics
Classification: Likely pathogenic for Hereditary cancer-predisposing syndrome. Last evaluated: 2019-03-05. Review status: criteria provided, single submitter. Criteria: Ambry Variant Classification Scheme 2023. Collection method: clinical testing. Allele origin: germline.
Comment: The c.973+1G>C intronic variant results from a G to C substitution one nucleotide after coding exon 9 of the PRKAR1A gene. This nucleotide position is highly conserved in available vertebrate species. Using the BDGP and ESEfinder splice site prediction tools, this alteration is predicted to abolish the native splice donor site; however, direct evidence is unavailable. Alterations that disrupt the canonical splice site are expected to cause aberrant splicing, resulting in an abnormal protein or a transcript that is subject to nonsense-mediated mRNA decay. As such, this alteration is classified as likely pathogenic.